The following is an entry in ClinVar:

ClinVar aggregate classification (germline): Conflicting classifications of pathogenicity. Review status: criteria provided, conflicting classifications (1 of 4 stars). 2 submissions from 2 submitters: Uncertain significance (1); Likely benign (1). Last evaluated 2025-10-27.

Conditions:
Primary pulmonary hypertension. Also called: Idiopathic pulmonary hypertension. Identifiers: MedGen C0152171.
Inborn genetic diseases. Identifiers: MedGen C0950123, MeSH D030342.

Allele frequency attached by ClinVar (database versions not stated): ExAC 0.00001; gnomAD 0.00001; gnomAD exomes 0.00001; TOPMed 0.00003.
gnomAD v4.1: 10 of 1,613,524 alleles (0.00062%); highest among the groups gnomAD compares: Middle Eastern, 0.016%; no homozygotes.

Submissions (2):

Ambry Genetics
Classification: Uncertain significance for Inborn genetic diseases. Last evaluated: 2025-10-27. Review status: criteria provided, single submitter. Criteria: Ambry Variant Classification Scheme 2023. Collection method: clinical testing. Allele origin: germline.
Comment: The p.P39L variant (also known as c.116C>T), located in coding exon 2 of the BMPR2 gene, results from a C to T substitution at nucleotide position 116. The proline at codon 39 is replaced by leucine, an amino acid with similar properties. This amino acid position is conserved. In addition, this alteration is predicted to be deleterious by in silico analysis. Based on the available evidence, the clinical significance of this variant remains unclear.

Labcorp Genetics (formerly Invitae), Labcorp
Classification: Likely benign for Primary pulmonary hypertension. Last evaluated: 2024-04-12. Review status: criteria provided, single submitter. Criteria: Invitae Variant Classification Sherloc (09022015). Collection method: clinical testing. Allele origin: germline.

NM_001204.7(BMPR2):c.116C>T (p.Pro39Leu)

Gene: BMPR2 (bone morphogenetic protein receptor type 2; plus strand). Cytogenetic location: 2q33.1.
Variant type: single nucleotide variant.
Coding change: c.116C>T on transcript NM_001204.7 (MANE Select); coding-DNA position 116, C replaced by T.
Protein change: p.Pro39Leu; replaces proline 39 with leucine.
Molecular consequence: missense variant.
Genome position (GRCh38, 1-based): chr2:202,464,848, C>T. VCF-style: chr2-202464848-C-T. GRCh37 (hg19) VCF-style: chr2-203329571-C-T.
Other names: short protein forms P39L.
Identifiers: ClinVar variation 2764690 (VCV002764690.5), dbSNP rs770804811, ClinGen allele CA2061039.